The following is an entry in ClinVar:

NM_001366521.1(ATP2B1):c.3133A>G (p.Ile1045Val)

Gene: ATP2B1 (ATPase plasma membrane Ca2+ transporting 1; minus strand). Cytogenetic location: 12q21.33.
Variant type: single nucleotide variant.
Coding change: c.3133A>G on transcript NM_001366521.1 (MANE Select); coding-DNA position 3133, A replaced by G.
Protein change: p.Ile1045Val; replaces isoleucine 1045 with valine.
Molecular consequence: missense variant. On other transcripts: intron variant (5), non-coding transcript variant (2).
Genome position (GRCh38, 1-based): chr12:89,601,361, T>C on the plus strand (A>G on the coding strand, the complement: ATP2B1 is on the minus strand). VCF-style: chr12-89601361-T-C. GRCh37 (hg19) VCF-style: chr12-89995138-T-C.
Other names: NC_000012.11:g.89995138T>C; c.3060+1682A>G (NM_001366529.1, NM_001366528.1, NM_001413049.1 and 1 more transcripts); c.2919+1682A>G (NM_001413055.1); c.2572A>G, p.Ile858Val (NM_001413059.1, NM_001413060.1, NM_001366531.1 and 2 more transcripts); c.3133A>G, p.Ile1045Val (NM_001682.3, NM_001001323.2, NM_001366520.1 and 8 more transcripts); c.2935A>G, p.Ile979Val (NM_001366530.1, NM_001413053.1); c.3094A>G, p.Ile1032Val (NM_001413048.1); c.2992A>G, p.Ile998Val (NM_001413051.1, NM_001413052.1); and 3 more; short protein forms I1032V, I1045V, I858V, I894V, I960V, I964V, I979V, I998V.
Identifiers: ClinVar variation 3905033 (VCV003905033.11).
Genomic context (GRCh38, chr12:89,601,361, plus strand): 5'-AAACAAAAACTGATGAAATTTTTACCTGGCCCCAGAGTAATGTTCCCATTCCTAGGAATA[T>C]TGACCATAGCCACTGTTCTATTGAAAGTTCTGAACAACTGAAAGGTTTTCCACCAAACTG-3'
Protein context (NP_001353450.1, residues 1035-1055): ELSIEQWLWS[Ile1045Val]FLGMGTLLWG

ClinVar aggregate classification (germline): Likely benign (1 of 4 stars; one submission).

Submissions (4):

CeGaT Center for Human Genetics Tuebingen
Classification: Likely benign. Last evaluated: 2025-05-01. Review status: criteria provided, single submitter. Criteria: CeGaT Center For Human Genetics Tuebingen Variant Classification Criteria Version 2. Collection method: clinical testing. Allele origin: germline. Affected: yes. Observed: 1 variant allele.
Comment: ATP2B1: PP2, BS2

Dr. Peter K. Rogan Lab, Western University
No classification provided (evidence only). Condition: Ovarian serous cystadenocarcinoma. Review status: no classification provided. Collection method: in vitro. Allele origin: not applicable. Functional consequence: skipped exon. Not counted in ClinVar's aggregate classification.

Dr. Peter K. Rogan Lab, Western University
No classification provided (evidence only). Condition: Ovarian serous cystadenocarcinoma. Review status: no classification provided. Collection method: in vitro. Allele origin: not applicable. Functional consequence: retained intron. Not counted in ClinVar's aggregate classification.

Dr. Peter K. Rogan Lab, Western University
No classification provided (evidence only). Condition: Uterine carcinosarcoma. Review status: no classification provided. Collection method: in vitro. Allele origin: not applicable. Functional consequence: skipped exon. Not counted in ClinVar's aggregate classification.